The following is an entry in ClinVar:

ClinVar aggregate classification (germline): Pathogenic. Review status: criteria provided, multiple submitters, no conflicts (2 of 4 stars). 8 submissions from 8 submitters: Pathogenic (8). Last evaluated 2025-01-10.

Conditions:
Hereditary cancer-predisposing syndrome. Also called: Hereditary neoplastic syndrome; Tumor predisposition; Neoplastic Syndromes, Hereditary; Hereditary Cancer Syndrome. Identifiers: Orphanet 140162, MedGen C0027672, MeSH D009386, MONDO:0015356.
Peutz-Jeghers syndrome (PJS). Also called: Peutz-Jeghers polyposis; Periorificial lentiginosis syndrome; POLYPOSIS, HAMARTOMATOUS INTESTINAL; POLYPS-AND-SPOTS SYNDROME. Identifiers: Orphanet 2869, MedGen C0031269, MeSH D010580, MONDO:0008280, OMIM 175200.

Submissions (8):

Department of Clinical Genetics, Copenhagen University Hospital, Rigshospitalet
Classification: Pathogenic for Peutz-Jeghers syndrome. Last evaluated: 2025-01-10. Review status: criteria provided, single submitter. Criteria: ACMG Guidelines, 2015. Collection method: clinical testing. Allele origin: germline. Affected: yes.
Comment: The following ACMG criteria was used: PVS1; PM2_SUP; PS4_SUP

Molecular Pathology, Peter Maccallum Cancer Centre
Classification: Pathogenic for Peutz-Jeghers syndrome. Last evaluated: 2024-12-05. Review status: criteria provided, single submitter. Criteria: ACMG Guidelines, 2015. Collection method: clinical testing. Allele origin: germline. Inheritance: Autosomal dominant inheritance.

Labcorp Genetics (formerly Invitae), Labcorp
Classification: Pathogenic for Peutz-Jeghers syndrome. Last evaluated: 2024-11-04. Review status: criteria provided, single submitter. Criteria: Invitae Variant Classification Sherloc (09022015). Collection method: clinical testing. Allele origin: germline.
Comment: This sequence change creates a premature translational stop signal (p.Gln220*) in the STK11 gene. It is expected to result in an absent or disrupted protein product. Loss-of-function variants in STK11 are known to be pathogenic (PMID: 15188174, 16287113). This variant is not present in population databases (gnomAD no frequency). This premature translational stop signal has been observed in individual(s) with lung adenocarcinomas and Peutz-Jeghers syndrome (PMID: 9850045, 9887330, 20559149, 23515270, 26979979). This variant is also known as c.2681C>T. ClinVar contains an entry for this variant (Variation ID: 428776). For these reasons, this variant has been classified as Pathogenic.

Myriad Genetics, Inc.
Classification: Pathogenic for Peutz-Jeghers syndrome. Last evaluated: 2024-02-12. Review status: criteria provided, single submitter. Criteria: Myriad Autosomal Dominant, Autosomal Recessive and X-Linked Classification Criteria (2023). Collection method: clinical testing. Allele origin: unknown.
Comment: This variant is considered pathogenic. This variant creates a termination codon and is predicted to result in premature protein truncation.

Genome-Nilou Lab
Classification: Pathogenic for Peutz-Jeghers syndrome. Last evaluated: 2021-07-15. Review status: criteria provided, single submitter. Criteria: ACMG Guidelines, 2015. Collection method: clinical testing. Allele origin: germline. Affected: no.

GeneDx
Classification: Pathogenic. Last evaluated: 2019-09-12. Review status: criteria provided, single submitter. Criteria: GeneDx Variant Classification Process June 2021. Collection method: clinical testing. Allele origin: germline. Affected: yes.
Comment: Nonsense variant predicted to result in protein truncation or nonsense mediated decay in a gene for which loss-of-function is a known mechanism of disease; Not observed in large population cohorts (Lek 2016); Identified in patients with Peutz-Jeghers syndrome in published literature (Gruber 1998, Kruse 1999, Huang 2015); This variant is associated with the following publications: (PMID: 15188174, 16287113, 10090485, 26607058, 20559149, 17026623, 26979979, 9887330, 23515270, 28560011, 9850045, 28724667, 23415580, 16707622)

Ambry Genetics
Classification: Pathogenic for Hereditary cancer-predisposing syndrome. Last evaluated: 2018-08-25. Review status: criteria provided, single submitter. Criteria: Ambry Variant Classification Scheme 2023. Collection method: clinical testing. Allele origin: germline.
Comment: The p.Q220* pathogenic mutation (also known as c.658C>T), located in coding exon 5 of the STK11 gene, results from a C to T substitution at nucleotide position 658. This changes the amino acid from a glutamine to a stop codon within coding exon 5. This mutation has been seen in multiple patients and families with Peutz-Jeghers syndrome (Chow E et al. Clin Genet. 2006 Nov;70(5):409-14; Aretz S et al. Hum Mutat. 2005 Dec;26(6):513-9; Gruber S et al. Cancer Res. 1998 Dec 1;58(23):5267-70; Zhang LJ et al. Am J Transl Res. 2017 May;9(5):2639-2644). In addition to the clinical data presented in the literature, this alteration is expected to result in loss of function by premature protein truncation or nonsense-mediated mRNA decay. As such, this alteration is interpreted as a disease-causing mutation.

Women's Health and Genetics/Laboratory Corporation of America, LabCorp
Classification: Pathogenic for Peutz-Jeghers syndrome. Last evaluated: 2016-07-25. Review status: criteria provided, single submitter. Criteria: LabCorp Variant Classification Summary - May 2015. Collection method: clinical testing. Allele origin: germline.
Comment: Variant summary: The c.658C>T (p.Q220*) variant in STK11 gene is a nonsense mutation. The mutation is predicted to cause loss of normal protein function through either protein truncation or nonsense-mediated mRNA decay. The variant has been reported in multiple affected individuals and was shown to segregate with the disease in at least one family (Yajima, 2013). The variant is absent from ExAC (~85428 chrs tested). Taken together, the variant was classified as Pathogenic.

Literature cited by the submitters: PubMed 37017260 (cited by Department of Clinical Genetics, Copenhagen University Hospital, Rigshospitalet); PubMed 15188174 (cited by Labcorp Genetics (formerly Invitae), Labcorp and Ambry Genetics); PubMed 16287113 (cited by 3 submitters); PubMed 9850045 (cited by Labcorp Genetics (formerly Invitae), Labcorp and Ambry Genetics); PubMed 9887330 (cited by Labcorp Genetics (formerly Invitae), Labcorp and Women's Health and Genetics/Laboratory Corporation of America, LabCorp); PubMed 20559149 (cited by Labcorp Genetics (formerly Invitae), Labcorp); PubMed 23515270 (cited by Labcorp Genetics (formerly Invitae), Labcorp and Women's Health and Genetics/Laboratory Corporation of America, LabCorp); PubMed 26979979 (cited by Labcorp Genetics (formerly Invitae), Labcorp); PubMed 16707622 (cited by Ambry Genetics); PubMed 17026623 (cited by Ambry Genetics and Women's Health and Genetics/Laboratory Corporation of America, LabCorp); PubMed 28560011 (cited by Ambry Genetics); PubMed 28724667 (cited by Ambry Genetics); PubMed 26607058 (cited by Women's Health and Genetics/Laboratory Corporation of America, LabCorp); PubMed 23415580 (cited by Women's Health and Genetics/Laboratory Corporation of America, LabCorp).

NM_000455.5(STK11):c.658C>T (p.Gln220Ter)

Gene: STK11 (serine/threonine kinase 11; plus strand). Cytogenetic location: 19p13.3.
Variant type: single nucleotide variant.
Coding change: c.658C>T on transcript NM_000455.5 (MANE Select); coding-DNA position 658, C replaced by T.
Protein change: p.Gln220Ter; replaces glutamine 220 with a stop codon.
Molecular consequence: nonsense.
Genome position (GRCh38, 1-based): chr19:1,220,641, C>T. VCF-style: chr19-1220641-C-T. GRCh37 (hg19) VCF-style: chr19-1220640-C-T.
Other names: short protein forms Q220*.
Identifiers: ClinVar variation 428776 (VCV000428776.19), dbSNP rs1131690940, ClinGen allele CA402949656.
Genomic context (GRCh38, chr19:1,220,641, plus strand): 5'-GCACTGCACCCGTTCGCGGCGGACGACACCTGCCGGACCAGCCAGGGCTCCCCGGCTTTC[C>T]AGCCGCCCGAGATTGCCAACGGCCTGGACACCTTCTCCGGCTTCAAGGTGGACATCTGGT-3'